The following is an entry in ClinVar:

NM_000059.4(BRCA2):c.8525G>T (p.Arg2842Leu)

Gene: BRCA2 (BRCA2 DNA repair associated; plus strand). Cytogenetic location: 13q13.1.
Variant type: single nucleotide variant.
Coding change: c.8525G>T on transcript NM_000059.4 (MANE Select); coding-DNA position 8525, G replaced by T.
Protein change: p.Arg2842Leu; replaces arginine 2842 with leucine.
Molecular consequence: missense variant.
Genome position (GRCh38, 1-based): chr13:32,370,993, G>T. VCF-style: chr13-32370993-G-T. GRCh37 (hg19) VCF-style: chr13-32945130-G-T.
Other names: short protein forms R2842L.
Identifiers: ClinVar variation 126181 (VCV000126181.26), dbSNP rs80359105, ClinGen allele CA025693.

ClinVar aggregate classification (germline): Conflicting classifications of pathogenicity. Review status: criteria provided, conflicting classifications (1 of 4 stars). 7 submissions from 7 submitters: Uncertain significance (5); Likely benign (1). 1 of the submissions does not count toward it. Last evaluated 2025-11-22.

Conditions:
Hereditary cancer-predisposing syndrome. Also called: Tumor predisposition; Hereditary Cancer Syndrome; Neoplastic Syndromes, Hereditary; Hereditary neoplastic syndrome. Identifiers: Orphanet 140162, MedGen C0027672, MeSH D009386, MONDO:0015356.
Hereditary breast ovarian cancer syndrome. Also called: Hereditary breast and ovarian cancer; Hereditary breast and/or ovarian cancer syndrome; BRCA1- and BRCA2-Associated Hereditary Breast and Ovarian Cancer; Hereditary breast and ovarian cancer syndrome; Hereditary breast and ovarian cancer syndrome (HBOC); Breast and ovarian cancer. Identifiers: Orphanet 145, MedGen C0677776, MeSH D061325, MONDO:0003582. Disease mechanism: loss of function.
Breast-ovarian cancer, familial, susceptibility to, 2 (BROVCA2). Also called: BRCA2 Hereditary Breast and Ovarian Cancer. Identifiers: Orphanet 145, MedGen C2675520, MONDO:0012933, OMIM 612555. Disease mechanism: loss of function.

gnomAD v4.1: 9 of 1,613,990 alleles (0.00056%); highest among the groups gnomAD compares: Non-Finnish European, 0.00068%; no homozygotes.

Submissions (7):

Labcorp Genetics (formerly Invitae), Labcorp
Classification: Uncertain significance for Hereditary breast ovarian cancer syndrome. Last evaluated: 2025-11-22. Review status: criteria provided, single submitter. Criteria: Invitae Variant Classification Sherloc (09022015). Collection method: clinical testing. Allele origin: germline.
Comment: This sequence change replaces arginine, which is basic and polar, with leucine, which is neutral and non-polar, at codon 2842 of the BRCA2 protein (p.Arg2842Leu). This variant is present in population databases (rs80359105, gnomAD 0.002%). This missense change has been observed in individual(s) with breast and/or ovarian cancer (PMID: 24916970). ClinVar contains an entry for this variant (Variation ID: 126181). An algorithm developed specifically for the BRCA2 gene suggests that this missense change is likely to be deleterious (PMID: 19043619). Experimental studies have shown that this missense change does not substantially affect BRCA2 function (PMID: 23108138, 24323938, 29394989, 29884841, 29988080). In summary, the available evidence is currently insufficient to determine the role of this variant in disease. Therefore, it has been classified as a Variant of Uncertain Significance.

All of Us Research Program, National Institutes of Health
Classification: Uncertain significance for Breast-ovarian cancer, familial, susceptibility to, 2. Last evaluated: 2023-08-28. Review status: criteria provided, single submitter. Criteria: ACMG Guidelines, 2015. Collection method: clinical testing. Allele origin: germline. Inheritance: Autosomal dominant inheritance. Observed: 4 variant alleles, 4 heterozygotes.
Comment: This missense variant replaces arginine with leucine at codon 2842 of the BRCA2 protein. Computational prediction suggests that this variant may have deleterious impact on protein structure and function (internally defined REVEL score threshold >= 0.7, PMID: 27666373). Splice site prediction tools suggest that this variant may not impact RNA splicing. Functional studies showed the variant has intermediate to neutral effect on homology-directed repair (HDR) assay (PMID: 24323938, 23108138, 29394989, 29884841). This variant has been reported in at least one Portuguese breast/ovarian cancer family (PMID: 24916970). This variant has been identified in 2/251110 chromosomes in the general population by the Genome Aggregation Database (gnomAD). The available evidence is insufficient to determine the role of this variant in disease conclusively. Therefore, this variant is classified as a Variant of Uncertain Significance.

This study involves interpretation of variants in research participants for the purpose of population health screening. Participant phenotype was not available at the time of variant classification. Additional details can be found in publication PMID: 35346344, PMCID: PMC8962531

Color Diagnostics, LLC DBA Color Health
Classification: Uncertain significance for Hereditary cancer-predisposing syndrome. Last evaluated: 2023-03-29. Review status: criteria provided, single submitter. Criteria: ACMG Guidelines, 2015. Collection method: clinical testing. Allele origin: germline.
Comment: This missense variant replaces arginine with leucine at codon 2842 of the BRCA2 protein. Computational prediction suggests that this variant may have deleterious impact on protein structure and function (internally defined REVEL score threshold >= 0.7, PMID: 27666373). Functional studies has shown this variant has intermediate to neutral effect on homology-directed DNA repair activity (PMID: 24323938, 23108138, 29394989, 29884841). This variant has been reported in at least one individual with a personal and/or family history of breast or ovarian cancer (PMID: 24916970). This variant has been identified in 2/251110 chromosomes in the general population by the Genome Aggregation Database (gnomAD). The available evidence is insufficient to determine the role of this variant in disease conclusively. Therefore, this variant is classified as a Variant of Uncertain Significance.

Women's Health and Genetics/Laboratory Corporation of America, LabCorp
Classification: Uncertain significance. Last evaluated: 2021-06-27. Review status: criteria provided, single submitter. Criteria: LabCorp Variant Classification Summary - May 2015. Collection method: clinical testing. Allele origin: germline.
Comment: Variant summary: BRCA2 c.8525G>T (p.Arg2842Leu) results in a non-conservative amino acid change located in the Tower domain (IPR015205) of the encoded protein sequence. Five of five in-silico tools predict a damaging effect of the variant on protein function. The variant allele was found at a frequency of 8e-06 in 251110 control chromosomes (gnomAD). The available data on variant occurrences in the general population are insufficient to allow any conclusion about variant significance. c.8525G>T has been reported in the literature in individuals affected with Hereditary Breast and Ovarian Cancer (examples- Karchin_2008, Guidugli_2013, Peixoto_2014). These reports do not provide unequivocal conclusions about association of the variant with Hereditary Breast and Ovarian Cancer. Several publications report experimental evidence evaluating an impact on protein function. The most pronounced variant effect results in >50%-90% of normal homology directed repair (HDR) activity (examples-Guidugli_2013, Mesman_2019). Four clinical diagnostic laboratories have submitted clinical-significance assessments for this variant to ClinVar after 2014 without evidence for independent evaluation. One submitter has recently re-classified this variant as likely benign citing a neutral functional outcome whereas three others cited the variant as uncertain significance. Some submitters cite overlapping evidence utilized in the context of this evaluation. Based on the evidence outlined above, the variant was classified as uncertain significance.

Ambry Genetics
Classification: Likely benign for Hereditary cancer-predisposing syndrome. Last evaluated: 2020-01-22. Review status: criteria provided, single submitter. Criteria: Ambry Variant Classification Scheme 2023. Collection method: clinical testing. Allele origin: germline.

Eurofins Ntd Llc (ga)
Classification: Uncertain significance. Last evaluated: 2015-05-22. Review status: criteria provided, single submitter. Criteria: EGL Classification Definitions 2015. Collection method: clinical testing. Allele origin: germline. Observed: 1 variant allele, 1 heterozygote.

Breast Cancer Information Core (BIC) (BRCA2)
Classification: Uncertain significance for Breast-ovarian cancer, familial 2. Last evaluated: 2004-02-20. Review status: no assertion criteria provided. Collection method: clinical testing. Allele origin: germline. Affected: yes. Observed: 1 variant allele. Not counted in ClinVar's aggregate classification.

Literature cited by the submitters: PubMed 24916970 (cited by 5 submitters); PubMed 19043619 (cited by Labcorp Genetics (formerly Invitae), Labcorp and Women's Health and Genetics/Laboratory Corporation of America, LabCorp); PubMed 23108138 (cited by 4 submitters); PubMed 24323938 (cited by 4 submitters); PubMed 29394989 (cited by 4 submitters); PubMed 29884841 (cited by 4 submitters); PubMed 29988080 (cited by 3 submitters).